The following is an entry in ClinVar:

NM_001854.4(COL11A1):c.2609G>A (p.Arg870Gln)

Gene: COL11A1 (collagen type XI alpha 1 chain; minus strand). Cytogenetic location: 1p21.1.
Variant type: single nucleotide variant.
Coding change: c.2609G>A on transcript NM_001854.4 (MANE Select); coding-DNA position 2609, G replaced by A.
Protein change: p.Arg870Gln; replaces arginine 870 with glutamine.
Molecular consequence: missense variant. On other transcripts: non-coding transcript variant (1).
Genome position (GRCh38, 1-based): chr1:102,979,383, C>T on the plus strand (G>A on the coding strand, the complement: COL11A1 is on the minus strand). VCF-style: chr1-102979383-C-T. GRCh37 (hg19) VCF-style: chr1-103444939-C-T.
Other names: c.2261G>A, p.Arg754Gln (NM_001168249.1, NM_080630.4); c.2492G>A, p.Arg831Gln (NM_001190709.2); c.2645G>A, p.Arg882Gln (NM_080629.3); short protein forms R754Q, R831Q, R870Q, R882Q.
Identifiers: ClinVar variation 1950864 (VCV001950864.7), dbSNP rs367952241, ClinGen allele CA974367.

ClinVar aggregate classification (germline): Uncertain significance. Review status: criteria provided, multiple submitters, no conflicts (2 of 4 stars). 3 submissions from 3 submitters: Uncertain significance (3). Last evaluated 2026-01-12.

Conditions:
COL11A1-related disorder. Also called: COL11A1-related condition; COL11A1-related disorders.
Inborn genetic diseases. Identifiers: MedGen C0950123, MeSH D030342.

Allele frequency attached by ClinVar (database versions not stated): gnomAD 0.00001; TOPMed 0.00002; ExAC 0.00004; ESP Exome Variant Server 0.00008.
gnomAD v4.1: 15 of 1,605,990 alleles (0.00093%); highest among the groups gnomAD compares: Middle Eastern, 0.016%; no homozygotes.

Submissions (3):

Labcorp Genetics (formerly Invitae), Labcorp
Classification: Uncertain significance. Last evaluated: 2026-01-12. Review status: criteria provided, single submitter. Criteria: Invitae Variant Classification Sherloc (09022015). Collection method: clinical testing. Allele origin: germline.
Comment: This sequence change replaces arginine, which is basic and polar, with glutamine, which is neutral and polar, at codon 870 of the COL11A1 protein (p.Arg870Gln). The frequency data for this variant in the population databases is considered unreliable, as metrics indicate poor data quality at this position in the gnomAD database. This variant has not been reported in the literature in individuals affected with COL11A1-related conditions. ClinVar contains an entry for this variant (Variation ID: 1950864). Experimental studies and prediction algorithms are not available or were not evaluated, and the functional significance of this variant is currently unknown. In summary, the available evidence is currently insufficient to determine the role of this variant in disease. Therefore, it has been classified as a Variant of Uncertain Significance.

PreventionGenetics, part of Exact Sciences
Classification: Uncertain significance for COL11A1-related condition. Last evaluated: 2025-06-25. Review status: criteria provided, single submitter. Criteria: ACMG Guidelines, 2015. Collection method: clinical testing. Allele origin: germline.
Comment: The COL11A1 c.2609G>A variant is predicted to result in the amino acid substitution p.Arg870Gln. To our knowledge, this variant has not been reported in the literature. This variant is reported in 0.0081% of alleles in individuals of African descent in gnomAD. At this time, the clinical significance of this variant is uncertain due to the absence of conclusive functional and genetic evidence.

Ambry Genetics
Classification: Uncertain significance for Inborn genetic diseases. Last evaluated: 2021-07-15. Review status: criteria provided, single submitter. Criteria: Ambry Variant Classification Scheme 2023. Collection method: clinical testing. Allele origin: germline.